The following is an entry in ClinVar:

NM_001024630.4(RUNX2):c.383C>T (p.Ser128Leu)

Gene: RUNX2 (RUNX family transcription factor 2; plus strand). Cytogenetic location: 6p21.1.
Variant type: single nucleotide variant.
Coding change: c.383C>T on transcript NM_001024630.4 (MANE Select); coding-DNA position 383, C replaced by T.
Protein change: p.Ser128Leu; replaces serine 128 with leucine.
Molecular consequence: missense variant.
Genome position (GRCh38, 1-based): chr6:45,422,917, C>T. VCF-style: chr6-45422917-C-T. GRCh37 (hg19) VCF-style: chr6-45390654-C-T.
Other names: c.383C>T, p.Ser128Leu (NM_001015051.4); c.341C>T, p.Ser114Leu (NM_001278478.2, NM_001369405.1); short protein forms S114L, S128L.
Identifiers: ClinVar variation 5018532 (VCV005018532.2).
Genomic context (GRCh38, chr6:45,422,917, plus strand): 5'-ACCACCCGGCCGAACTCGTCCGCACCGACAGCCCCAACTTCCTGTGCTCGGTGCTGCCCT[C>T]GCACTGGCGCTGCAACAAGACCCTGCCCGTGGCCTTCAAGGTAAGAGGCTACACCGCCCC-3'
Protein context (NP_001019801.3, residues 118-138): SPNFLCSVLP[Ser128Leu]HWRCNKTLPV

ClinVar aggregate classification (germline): Uncertain significance (1 of 4 stars; one submission).

Conditions:
Cleidocranial dysostosis (CLCD1). Also called: Cleidocranial Dysplasia Spectrum Disorder; Marie-Sainton disease; cleidocranial dysplasia 1. Identifiers: Orphanet 1452, MedGen C0008928, MONDO:0007340, OMIM 119600.
Metaphyseal dysplasia-maxillary hypoplasia-brachydacty syndrome. Also called: Metaphyseal dysplasia with maxillary hypoplasia with or without brachydactyly; Metaphyseal dysplasia with maxillary hypoplasia and brachydactyly; METAPHYSEAL DYSPLASIA AND MAXILLARY HYPOPLASIA WITH OR WITHOUT BRACHYDACTYLY. Identifiers: Orphanet 2504, MedGen C3549874, MONDO:0007984, OMIM 156510.

gnomAD v4.1: 3 of 1,612,642 alleles (0.00019%); highest among the groups gnomAD compares: Non-Finnish European, 0.00025%; no homozygotes.

Submission:

Juno Genomics, Hangzhou Juno Genomics, Inc
Classification: Uncertain significance for Cleidocranial dysostosis; Metaphyseal dysplasia-maxillary hypoplasia-brachydacty syndrome. Review status: criteria provided, single submitter. Criteria: ACMG Guidelines, 2015. Collection method: clinical testing. Allele origin: germline.
Comment: Absent from controls (or at extremely low frequency if recessive) in Genome Aggregation Database.;Multiple lines of computational evidence support a deleterious effect on the gene or gene product.